The following is an entry in ClinVar:

ClinVar aggregate classification (germline): Conflicting classifications of pathogenicity. Review status: criteria provided, conflicting classifications (1 of 4 stars). 8 submissions from 8 submitters: Uncertain significance (7); Likely benign (1). Last evaluated 2025-09-10.

Conditions:
Ataxia-telangiectasia-like disorder (ATLD). Identifiers: MedGen C1858391, MONDO:0011457.
Hereditary cancer-predisposing syndrome. Also called: Hereditary neoplastic syndrome; Neoplastic Syndromes, Hereditary; Tumor predisposition; Hereditary Cancer Syndrome. Identifiers: Orphanet 140162, MedGen C0027672, MeSH D009386, MONDO:0015356.
Ataxia-telangiectasia-like disorder 1 (ATLD1). Identifiers: Orphanet 251347, MedGen C4012790, MONDO:0024557, OMIM 604391.

Allele frequency attached by ClinVar (database versions not stated): TOPMed 0.00002.

Submissions (8):

Ambry Genetics
Classification: Likely benign for Hereditary cancer-predisposing syndrome. Last evaluated: 2025-09-10. Review status: criteria provided, single submitter. Criteria: Ambry Variant Classification Scheme 2023. Collection method: clinical testing. Allele origin: germline.

Labcorp Genetics (formerly Invitae), Labcorp
Classification: Uncertain significance for Ataxia-telangiectasia-like disorder. Last evaluated: 2025-07-14. Review status: criteria provided, single submitter. Criteria: Invitae Variant Classification Sherloc (09022015). Collection method: clinical testing. Allele origin: germline.
Comment: This sequence change replaces aspartic acid, which is acidic and polar, with glutamic acid, which is acidic and polar, at codon 692 of the MRE11 protein (p.Asp692Glu). This variant is present in population databases (rs778093337, gnomAD 0.006%). This missense change has been observed in individual(s) with personal or family history of breast and/or ovarian cancer (PMID: 27878467, 31159747, 32658311). ClinVar contains an entry for this variant (Variation ID: 184593). An algorithm developed to predict the effect of missense changes on protein structure and function (PolyPhen-2) suggests that this variant is likely to be tolerated. In summary, the available evidence is currently insufficient to determine the role of this variant in disease. Therefore, it has been classified as a Variant of Uncertain Significance.

Quest Diagnostics Nichols Institute San Juan Capistrano
Classification: Uncertain significance. Last evaluated: 2024-11-05. Review status: criteria provided, single submitter. Criteria: Quest Diagnostics criteria. Collection method: clinical testing. Allele origin: unknown.
Comment: The MRE11 c.2076T>A (p.Asp692Glu) variant has been reported in the published literature in individuals with breast cancer (PMID: 32658311 (2021), 33471991 (2021), see also LOVD). This variant has also been identified in a reportedly healthy individual (PMID: 33471991 (2021), see also LOVD). The frequency of this variant in the general population, 0.000044 (3/68018 chromosomes (Genome Aggregation Database)), is uninformative in the assessment of its pathogenicity. Analysis of this variant using bioinformatics tools for the prediction of the effect of amino acid changes on protein structure and function yielded predictions that this variant is benign. Based on the available information, we are unable to determine the clinical significance of this variant.

GeneDx
Classification: Uncertain significance. Last evaluated: 2024-05-29. Review status: criteria provided, single submitter. Criteria: GeneDx Variant Classification Process June 2021. Collection method: clinical testing. Allele origin: germline. Affected: yes.
Comment: Not observed at significant frequency in large population cohorts (gnomAD); In silico analysis indicates that this missense variant does not alter protein structure/function; Has not been previously published as pathogenic or benign in association with a MRE11-related ataxia-telangiectasia-like disorder to our knowledge; This variant is associated with the following publications: (PMID: 27878467, 31159747)

Athena Diagnostics
Classification: Uncertain significance. Last evaluated: 2023-11-10. Review status: criteria provided, single submitter. Criteria: Athena Diagnostics Criteria. Collection method: clinical testing. Allele origin: unknown.
Comment: Available data are insufficient to determine the clinical significance of the variant at this time. The frequency of this variant in the general population is uninformative in assessment of its pathogenicity. Computational tools predict that this variant is not damaging.

Baylor Genetics
Classification: Uncertain significance for Ataxia-telangiectasia-like disorder 1. Last evaluated: 2019-11-26. Review status: criteria provided, single submitter. Criteria: ACMG Guidelines, 2015. Collection method: clinical testing. Allele origin: unknown. Affected: yes.
Comment: This variant was determined to be of uncertain significance according to ACMG Guidelines, 2015 [PMID:25741868].

GeneKor MSA
Classification: Uncertain significance for Hereditary cancer-predisposing syndrome. Last evaluated: 2018-08-01. Review status: criteria provided, single submitter. Criteria: ACMG Guidelines, 2015. Collection method: clinical testing. Allele origin: germline. Affected: yes.

Illumina Laboratory Services, Illumina
Classification: Uncertain significance for Ataxia-telangiectasia-like disorder 1. Last evaluated: 2018-01-12. Review status: criteria provided, single submitter. Criteria: ICSL Variant Classification Criteria 13 December 2019. Collection method: clinical testing. Allele origin: germline.

Literature cited by the submitters: PubMed 27878467 (cited by 4 submitters); PubMed 31159747 (cited by 3 submitters); PubMed 32658311 (cited by 3 submitters); PubMed 33471991 (cited by Quest Diagnostics Nichols Institute San Juan Capistrano and Athena Diagnostics).

NM_005591.4(MRE11):c.2076T>A (p.Asp692Glu)

Gene: MRE11 (MRE11 double strand break repair nuclease; minus strand). Cytogenetic location: 11q21.
Variant type: single nucleotide variant.
Coding change: c.2076T>A on transcript NM_005591.4 (MANE Select); coding-DNA position 2076, T replaced by A.
Protein change: p.Asp692Glu; replaces aspartic acid 692 with glutamic acid.
Molecular consequence: missense variant.
Genome position (GRCh38, 1-based): chr11:94,420,176, A>T on the plus strand (T>A on the coding strand, the complement: MRE11 is on the minus strand). VCF-style: chr11-94420176-A-T. GRCh37 (hg19) VCF-style: chr11-94153342-A-T.
Other names: c.2073T>A, p.Asp691Glu (NM_001330347.2); c.1992T>A, p.Asp664Glu (NM_005590.4); short protein forms D692E, D664E, D691E.
Identifiers: ClinVar variation 184593 (VCV000184593.22), dbSNP rs778093337, ClinGen allele CA189398.